The following is an entry in ClinVar:

NM_001684.5(ATP2B4):c.1151T>C (p.Ile384Thr)

Gene: ATP2B4 (ATPase plasma membrane Ca2+ transporting 4; plus strand). Cytogenetic location: 1q32.1.
Variant type: single nucleotide variant.
Coding change: c.1151T>C on transcript NM_001684.5 (MANE Select); coding-DNA position 1151, T replaced by C.
Protein change: p.Ile384Thr; replaces isoleucine 384 with threonine.
Molecular consequence: missense variant.
Genome position (GRCh38, 1-based): chr1:203,707,060, T>C. VCF-style: chr1-203707060-T-C. GRCh37 (hg19) VCF-style: chr1-203676188-T-C.
Other names: c.1151T>C, p.Ile384Thr (NM_001001396.3, NM_001365783.2, NM_001365784.2); short protein forms I384T.
Identifiers: ClinVar variation 1956870 (VCV001956870.5), dbSNP rs150587587, ClinGen allele CA1341560.

ClinVar aggregate classification (germline): Uncertain significance (1 of 4 stars; one submission).

Allele frequency attached by ClinVar (database versions not stated): gnomAD exomes 0.00001; gnomAD 0.00002; TOPMed 0.00004; ExAC 0.00006; ESP Exome Variant Server 0.00008.
gnomAD v4.1: 21 of 1,613,964 alleles (0.0013%); highest among the groups gnomAD compares: Non-Finnish European, 0.0017%; no homozygotes.

Submission:

Labcorp Genetics (formerly Invitae), Labcorp
Classification: Uncertain significance. Last evaluated: 2023-05-08. Review status: criteria provided, single submitter. Criteria: Invitae Variant Classification Sherloc (09022015). Collection method: clinical testing. Allele origin: germline.
Comment: In summary, the available evidence is currently insufficient to determine the role of this variant in disease. Therefore, it has been classified as a Variant of Uncertain Significance. This sequence change replaces isoleucine, which is neutral and non-polar, with threonine, which is neutral and polar, at codon 384 of the ATP2B4 protein (p.Ile384Thr). This variant is present in population databases (rs150587587, gnomAD 0.006%). This variant has not been reported in the literature in individuals affected with ATP2B4-related conditions. ClinVar contains an entry for this variant (Variation ID: 1956870). Advanced modeling of protein sequence and biophysical properties (such as structural, functional, and spatial information, amino acid conservation, physicochemical variation, residue mobility, and thermodynamic stability) has been performed at Invitae for this missense variant, however the output from this modeling did not meet the statistical confidence thresholds required to predict the impact of this variant on ATP2B4 protein function.